The following is an entry in ClinVar:

NM_001164508.2(NEB):c.9465del (p.Ile3156fs)

Gene: NEB (nebulin; minus strand). Cytogenetic location: 2q23.3.
Variant type: Deletion.
Coding change: c.9465del on transcript NM_001164508.2 (MANE Select); coding-DNA position 9465, one base deleted (C; older notation c.9465delC).
Protein change: p.Ile3156fs; shifts the reading frame from isoleucine 3156.
Molecular consequence: frameshift variant. On other transcripts: intron variant (1).
Genome position (GRCh38, 1-based): chr2:151,631,296, G deleted on the plus strand (C on the coding strand, the reverse complement: NEB is on the minus strand); the first of 4 consecutive G bases (chr2:151,631,296-151,631,299); deleting any one gives the same sequence. VCF-style (leftmost placement, unchanged base first): chr2-151631295-TG-T. GRCh37 (hg19) VCF-style: chr2-152487809-TG-T.
Other names: c.9465del, p.Ile3156fs (NM_001164507.2, NM_001271208.2); c.8854-118del (NM_004543.5); c.9465del (NM_001271208.1); c.9465delC (NM_001164507.1); short protein forms I3156fs.
Identifiers: ClinVar variation 550322 (VCV000550322.19), dbSNP rs1553939600, ClinGen allele CA658821408.

ClinVar aggregate classification (germline): Pathogenic/Likely pathogenic. Review status: criteria provided, multiple submitters, no conflicts (2 of 4 stars). 8 submissions from 8 submitters: Pathogenic (5); Likely pathogenic (1). 2 of the submissions do not count toward it. Last evaluated 2024-03-18.

Conditions:
Arthrogryposis multiplex congenita 6. Identifiers: MedGen C5543431, MONDO:0030281, OMIM 619334.
Nemaline myopathy. Also called: Myopathies, Nemaline. Identifiers: Orphanet 607, MedGen C0206157, MONDO:0018958.
Nemaline myopathy 2 (NEM2). Also called: Nemaline myopathy 2, autosomal recessive. Identifiers: MedGen C1850569, MONDO:0009725, OMIM 256030.

Submissions (8):

Baylor Genetics
Classification: Pathogenic for Arthrogryposis multiplex congenita 6. Last evaluated: 2024-03-18. Review status: criteria provided, single submitter. Criteria: ACMG Guidelines, 2015. Collection method: clinical testing. Allele origin: unknown.

GeneDx
Classification: Pathogenic. Last evaluated: 2022-03-25. Review status: criteria provided, single submitter. Criteria: GeneDx Variant Classification Process June 2021. Collection method: clinical testing. Allele origin: germline. Affected: yes.
Comment: Identified in the presence of a second NEB variant, phase unknown, in a patient with a form of NEB-related nemaline myopathy characterized by pronounced weakness of axial muscles with relative sparing of limb muscles in the published literature (Lehtokari et al., 2014); Frameshift variant predicted to result in protein truncation or nonsense mediated decay in a gene for which loss of function is a known mechanism of disease; Not observed at significant frequency in large population cohorts (gnomAD); This variant is associated with the following publications: (PMID: 25205138)

Women's Health and Genetics/Laboratory Corporation of America, LabCorp
Classification: Likely pathogenic for Nemaline myopathy. Last evaluated: 2022-03-11. Review status: criteria provided, single submitter. Criteria: LabCorp Variant Classification Summary - May 2015. Collection method: clinical testing. Allele origin: germline.
Comment: Variant summary: NEB c.9465delC (p.Ile3156LeufsX16) results in a premature termination codon, predicted to cause a truncation of the encoded protein or absence of the protein due to nonsense mediated decay, which are commonly known mechanisms for disease. Truncations downstream of this position have been classified as pathogenic by our laboratory. The variant was absent in 248870 control chromosomes (gnomAD). c.9465delC has been reported in the literature in an individual affected with Nemaline Myopathy (Lehtokari_2014). To our knowledge, no experimental evidence demonstrating an impact on protein function has been reported. Two clinical diagnostic laboratories have submitted clinical-significance assessments for this variant to ClinVar after 2014 and classified the variant as pathogenic (n=1) and likely pathogenic (n=1). Based on the evidence outlined above, the variant was classified as likely pathogenic.

Labcorp Genetics (formerly Invitae), Labcorp
Classification: Pathogenic for Nemaline myopathy 2. Last evaluated: 2021-12-09. Review status: criteria provided, single submitter. Criteria: Invitae Variant Classification Sherloc (09022015). Collection method: clinical testing. Allele origin: germline.
Comment: ClinVar contains an entry for this variant (Variation ID: 550322). This sequence change creates a premature translational stop signal (p.Ile3156Leufs*16) in the NEB gene. It is expected to result in an absent or disrupted protein product. Loss-of-function variants in NEB are known to be pathogenic (PMID: 25205138). This variant is not present in population databases (gnomAD no frequency). This premature translational stop signal has been observed in individual(s) with nemaline myopathy (PMID: 25205138). For these reasons, this variant has been classified as Pathogenic.

Victorian Clinical Genetics Services, Murdoch Childrens Research Institute
Classification: Pathogenic for Nemaline myopathy 2. Last evaluated: 2020-10-19. Review status: criteria provided, single submitter. Criteria: ACMG Guidelines, 2015. Collection method: clinical testing. Allele origin: germline.
Comment: Based on the classification scheme VCGS_Germline_v1.3.3, this variant is classified as Pathogenic. Following criteria are met: 0102 - Loss of function is a known mechanism of disease in this gene and is associated with nemaline myopathy (MIM#256030). (I) 0106 - This gene is associated with autosomal recessive disease. (I) 0201 - Variant is predicted to cause nonsense-mediated decay (NMD) and loss of protein (premature termination codon is located at least 54 nucleotides upstream of the final exon-exon junction). (SP) 0219 - This variant is non-coding in an alternative transcript. However, many pathogenic variants in the same coding exon have been reported (ClinVar, UCSC). (I) 0251 - This variant is heterozygous. (I) 0301 - Variant is absent from gnomAD (both v2 and v3). (SP) 0701 - Other NMD-predicted variants comparable to the one identified in this case have very strong previous evidence for pathogenicity (PMID: 32222963, ClinVar). (SP) 0803 - This variant has limited previous evidence of pathogenicity in unrelated individuals. This variant has been reported as likely pathogenic (ClinVar), and in a compound heterozygous patient with severe nemaline myopathy (PMID: 25205138). (SP) 0905 - No published segregation evidence has been identified for this variant. (I) 1007 - No published functional evidence has been identified for this variant. (I) 1201 - Heterozygous variant detected in trans with a second pathogenic heterozygous variant (p.Arg8094Serfs*9) in a recessive disease. (I) Legend: (SP) - Supporting pathogenic, (I) - Information, (SB) - Supporting benign

Genetics and Molecular Pathology, SA Pathology
Classification: Pathogenic for Nemaline myopathy 2. Last evaluated: 2020-09-07. Review status: criteria provided, single submitter. Criteria: ACMG Guidelines, 2015. Collection method: clinical testing. Allele origin: germline. Affected: yes.
Comment: PVS1, PM2, PS4_supporting

Natera, Inc.
Classification: Pathogenic for Nemaline myopathy type 2. Last evaluated: 2020-11-16. Review status: no assertion criteria provided. Collection method: clinical testing. Allele origin: germline. Not counted in ClinVar's aggregate classification.

Counsyl
Classification: Likely pathogenic for Nemaline myopathy 2. Last evaluated: 2017-01-10. Review status: no assertion criteria provided. Collection method: clinical testing. Allele origin: unknown. Not counted in ClinVar's aggregate classification.

Literature cited by the submitters: PubMed 25205138 (cited by 4 submitters); PubMed 32222963 (cited by Victorian Clinical Genetics Services, Murdoch Childrens Research Institute).